The following is an entry in ClinVar:

NM_006231.4(POLE):c.3080C>G (p.Ser1027Cys)

Gene: POLE (DNA polymerase epsilon, catalytic subunit; minus strand). Cytogenetic location: 12q24.33.
Variant type: single nucleotide variant.
Coding change: c.3080C>G on transcript NM_006231.4 (MANE Select); coding-DNA position 3080, C replaced by G.
Protein change: p.Ser1027Cys; replaces serine 1027 with cysteine.
Molecular consequence: missense variant.
Genome position (GRCh38, 1-based): chr12:132,659,490, G>C on the plus strand (C>G on the coding strand, the complement: POLE is on the minus strand). VCF-style: chr12-132659490-G-C. GRCh37 (hg19) VCF-style: chr12-133236076-G-C.
Other names: short protein forms S1027C.
Identifiers: ClinVar variation 3308385 (VCV003308385.1).

ClinVar aggregate classification (germline): Uncertain significance (1 of 4 stars; one submission).

Conditions:
Hereditary cancer-predisposing syndrome. Also called: Neoplastic Syndromes, Hereditary; Tumor predisposition; Hereditary neoplastic syndrome; Hereditary Cancer Syndrome. Identifiers: Orphanet 140162, MedGen C0027672, MeSH D009386, MONDO:0015356.

Submission:

Ambry Genetics
Classification: Uncertain significance for Hereditary cancer-predisposing syndrome. Last evaluated: 2024-04-20. Review status: criteria provided, single submitter. Criteria: Ambry Variant Classification Scheme 2023. Collection method: clinical testing. Allele origin: germline.
Comment: The p.S1027C variant (also known as c.3080C>G), located in coding exon 26 of the POLE gene, results from a C to G substitution at nucleotide position 3080. The serine at codon 1027 is replaced by cysteine, an amino acid with dissimilar properties. This amino acid position is conserved. In addition, this alteration is predicted to be tolerated by in silico analysis. Based on the available evidence, the clinical significance of this variant remains unclear.